The following is an entry in ClinVar:

NM_000400.4(ERCC2):c.5+1G>T

Gene: ERCC2 (ERCC excision repair 2, TFIIH core complex helicase subunit; minus strand). Cytogenetic location: 19q13.32.
Variant type: single nucleotide variant.
Coding change: c.5+1G>T on transcript NM_000400.4 (MANE Select); the canonical splice donor site of the intron after coding-DNA position 5, G replaced by T.
Molecular consequence: splice donor variant. On other transcripts: 5 prime UTR variant (2).
Genome position (GRCh38, 1-based): chr19:45,370,535, C>A on the plus strand (G>T on the coding strand, the complement: ERCC2 is on the minus strand). VCF-style: chr19-45370535-C-A. GRCh37 (hg19) VCF-style: chr19-45873793-C-A.
Other names: c.-370G>T (NM_001130867.2); c.-132G>T (NM_001440355.1); c.-19+1G>T (NM_001440357.1); c.5+1G>T (NM_001440356.1).
Identifiers: ClinVar variation 4728011 (VCV004728011.1).

ClinVar aggregate classification (germline): Likely pathogenic (1 of 4 stars; one submission).

Submission:

Labcorp Genetics (formerly Invitae), Labcorp
Classification: Likely pathogenic. Last evaluated: 2025-10-28. Review status: criteria provided, single submitter. Criteria: Invitae Variant Classification Sherloc (09022015). Collection method: clinical testing. Allele origin: germline.
Comment: This sequence change affects a donor splice site in intron 1 of the ERCC2 gene. It is expected to disrupt RNA splicing. Variants that disrupt the donor or acceptor splice site typically lead to a loss of protein function (PMID: 16199547), and loss-of-function variants in ERCC2 are known to be pathogenic (PMID: 9238033, 11335038, 19085937, 19934020). This variant is not present in population databases (gnomAD no frequency). This variant has not been reported in the literature in individuals affected with ERCC2-related conditions. Algorithms developed to predict the effect of sequence changes on RNA splicing suggest that this variant may disrupt the consensus splice site. In summary, the currently available evidence indicates that the variant is pathogenic, but additional data are needed to prove that conclusively. Therefore, this variant has been classified as Likely Pathogenic.

Literature cited by the submitters: PubMed 16199547; PubMed 9238033; PubMed 11335038; PubMed 19085937; PubMed 19934020.